The following is an entry in ClinVar:

ClinVar aggregate classification (germline): Uncertain significance (1 of 4 stars; one submission).

Conditions:
SEMA3A-related disorder. Also called: SEMA3A-related condition.

Submission:

PreventionGenetics, part of Exact Sciences
Classification: Uncertain significance for SEMA3A-related condition. Last evaluated: 2026-03-03. Review status: criteria provided, single submitter. Criteria: ACMG Guidelines, 2015. Collection method: clinical testing. Allele origin: germline.
Comment: The SEMA3A c.1805A>G variant is predicted to result in the amino acid substitution p.Gln602Arg. To our knowledge, this variant has not been reported in the literature or in a large population database (gnomAD), indicating this variant is rare. At this time, the clinical significance of this variant is uncertain due to the absence of conclusive functional and genetic evidence.

NM_006080.3(SEMA3A):c.1805A>G (p.Gln602Arg)

Gene: SEMA3A (semaphorin 3A; minus strand). Cytogenetic location: 7q21.11.
Variant type: single nucleotide variant.
Coding change: c.1805A>G on transcript NM_006080.3 (MANE Select); coding-DNA position 1805, A replaced by G.
Protein change: p.Gln602Arg; replaces glutamine 602 with arginine.
Molecular consequence: missense variant.
Genome position (GRCh38, 1-based): chr7:83,963,260, T>C on the plus strand (A>G on the coding strand, the complement: SEMA3A is on the minus strand). VCF-style: chr7-83963260-T-C. GRCh37 (hg19) VCF-style: chr7-83592576-T-C.
Other names: short protein forms Q602R.
Identifiers: ClinVar variation 4982599 (VCV004982599.1).